The following is an entry in ClinVar:

ClinVar aggregate classification (germline): Uncertain significance. Review status: criteria provided, multiple submitters, no conflicts (2 of 4 stars). 4 submissions from 4 submitters: Uncertain significance (4). Last evaluated 2026-07-20.

Conditions:
Inborn genetic diseases. Identifiers: MedGen C0950123, MeSH D030342.
VPS13B-related disorder. Also called: VPS13B-related condition.
Cohen syndrome (COH1). Also called: Cutis verticis gyrata, retinitis pigmentosa, and sensorineural deafness; PEPPER SYNDROME. Identifiers: Orphanet 193, MedGen C0265223, MONDO:0008999, OMIM 216550.

Allele frequency attached by ClinVar (database versions not stated): gnomAD exomes 0.00003; gnomAD 0.00006; ESP Exome Variant Server 0.00008; TOPMed 0.00008; ExAC 0.00002.
gnomAD v4.1: 49 of 1,613,654 alleles (0.003%); highest among the groups gnomAD compares: Admixed American, 0.005%; no homozygotes.

Submissions (4):

PreventionGenetics, part of Exact Sciences
Classification: Uncertain significance for VPS13B-related condition. Last evaluated: 2026-07-20. Review status: criteria provided, single submitter. Criteria: ACMG Guidelines, 2015. Collection method: clinical testing. Allele origin: germline.
Comment: The VPS13B c.4954C>T variant is predicted to result in the amino acid substitution p.Arg1652Trp. To our knowledge, this variant has not been reported in the literature. This variant is reported in 0.0040% of alleles in individuals of African descent in gnomAD. At this time, the clinical significance of this variant is uncertain due to the absence of conclusive functional and genetic evidence.

GeneDx
Classification: Uncertain significance. Last evaluated: 2025-12-22. Review status: criteria provided, single submitter. Criteria: GeneDx Variant Classification Process June 2021. Collection method: clinical testing. Allele origin: germline. Affected: yes.
Comment: Not observed at significant frequency in large population cohorts (gnomAD); In silico analysis supports that this missense variant has a deleterious effect on protein structure/function; Has not been previously published as pathogenic or benign to our knowledge

Ambry Genetics
Classification: Uncertain significance for Inborn genetic diseases. Last evaluated: 2025-10-28. Review status: criteria provided, single submitter. Criteria: Ambry Variant Classification Scheme 2023. Collection method: clinical testing. Allele origin: germline.

Labcorp Genetics (formerly Invitae), Labcorp
Classification: Uncertain significance for Cohen syndrome. Last evaluated: 2022-04-04. Review status: criteria provided, single submitter. Criteria: Invitae Variant Classification Sherloc (09022015). Collection method: clinical testing. Allele origin: germline.
Comment: This sequence change replaces arginine, which is basic and polar, with tryptophan, which is neutral and slightly polar, at codon 1677 of the VPS13B protein (p.Arg1677Trp). This variant is present in population databases (rs376467374, gnomAD 0.004%). This variant has not been reported in the literature in individuals affected with VPS13B-related conditions. Algorithms developed to predict the effect of missense changes on protein structure and function are either unavailable or do not agree on the potential impact of this missense change (SIFT: "Not Available"; PolyPhen-2: "Probably Damaging"; Align-GVGD: "Not Available"). In summary, the available evidence is currently insufficient to determine the role of this variant in disease. Therefore, it has been classified as a Variant of Uncertain Significance.

NM_152564.5(VPS13B):c.4954C>T (p.Arg1652Trp)

Gene: VPS13B (vacuolar protein sorting 13 homolog B; plus strand). Cytogenetic location: 8q22.2.
Variant type: single nucleotide variant.
Coding change: c.4954C>T on transcript NM_152564.5 (MANE Select); coding-DNA position 4954, C replaced by T.
Protein change: p.Arg1652Trp; replaces arginine 1652 with tryptophan.
Molecular consequence: missense variant.
Genome position (GRCh38, 1-based): chr8:99,575,662, C>T. VCF-style: chr8-99575662-C-T. GRCh37 (hg19) VCF-style: chr8-100587890-C-T.
Other names: c.5029C>T (NM_017890.3); c.5029C>T, p.Arg1677Trp (NM_017890.5); short protein forms R1652W, R1677W.
Identifiers: ClinVar variation 2041243 (VCV002041243.6), dbSNP rs376467374, ClinGen allele CA4823705.
Genomic context (GRCh38, chr8:99,575,662, plus strand): 5'-GAAAATTGTCTTTGAAAATAATGAAATGGCTAATAATCTTTTACTCTATCTTTTAGCATA[C>T]GGCGGCATCAAGAAAGGAGAGCAATTTTGACCCCCGTTTTGACAGATTTTTCTGTCCGAA-3'
Protein context (NP_689777.3, residues 1642-1662): ALEWNMASSI[Arg1652Trp]RHQERRAILT